The following is an entry in ClinVar:

NM_001670.3(ARVCF):c.726_730del (p.Gly243fs)

Gene: ARVCF (ARVCF delta catenin family member; minus strand). Cytogenetic location: 22q11.21.
Variant type: Deletion.
Coding change: c.726_730del on transcript NM_001670.3 (MANE Select); coding-DNA positions 726 to 730, 5 bases deleted (TGGGC; older notation c.726_730delTGGGC).
Protein change: p.Gly243fs; shifts the reading frame from glycine 243.
Molecular consequence: frameshift variant.
Genome position (GRCh38, 1-based): chr22:19,981,377-19,981,381, GCCCA deleted on the plus strand (TGGGC on the coding strand, the reverse complement: ARVCF is on the minus strand); deleting any 5 consecutive bases within chr22:19,981,377-19,981,382 gives the same sequence; the c. name uses the placement nearest the transcript's 3' end. VCF-style (leftmost placement, unchanged base first): chr22-19981376-GGCCCA-G. GRCh37 (hg19) VCF-style: chr22-19968899-GGCCCA-G.
Other names: short protein forms G243fs.
Identifiers: ClinVar variation 560239 (VCV000560239.3), dbSNP rs768824268, ClinGen allele CA10105816.

ClinVar aggregate classification (germline): Uncertain significance (1 of 4 stars; one submission).

Submission:

Geisinger Autism and Developmental Medicine Institute, Geisinger Health System
Classification: Uncertain significance. Last evaluated: 2017-05-25. Review status: criteria provided, single submitter. Criteria: ACMG Guidelines, 2015. Collection method: provider interpretation, clinical testing. Allele origin: maternal. Observed: 1 variant allele.
Comment: This variant is present in the gnomAD Ashkenazi Jewish population at a frequency of 0.055%. Human disorders have not been clearly associated with the ARVCF gene. Whole exome sequencing identified 2 additional variants of uncertain significance.